The following is an entry in ClinVar:

ClinVar aggregate classification (germline): Uncertain significance (1 of 4 stars; one submission).

Conditions:
Hypotonia, infantile, with psychomotor retardation and characteristic facies 2 (IHPRF2). Also called: UNC80 Deficiency. Identifiers: Orphanet 371364, Orphanet 700333, MedGen C4225203, MONDO:0014777, OMIM 616801.

Submission:

Pittsburgh Clinical Genomics Laboratory, University of Pittsburgh Medical Center
Classification: Uncertain significance for Hypotonia, infantile, with psychomotor retardation and characteristic facies 2. Last evaluated: 2024-03-07. Review status: criteria provided, single submitter. Criteria: ACMG Guidelines, 2015. Collection method: clinical testing. Allele origin: germline. Inheritance: Autosomal recessive inheritance. Affected: yes.
Comment: This sequence variant is a single nucleotide substitution (C>G) at position 9355 of the coding sequence of the UNC80 gene that results in a proline to alanine amino acid change at residue 3119 of the unc-80 homolog, NALCN channel complex subunit protein. This novel variant is absent from ClinVar, publications, and the gnomAD v4.0.0 population database (0/~1551000 alleles). Multiple bioinformatic tools predict that this amino acid change would be neutral, and the Pro3119 residue at this position is highly conserved across the vertebrate species examined. Studies examining the functional consequence of this variant have not been performed, to our knowledge. At this time, there is insufficient evidence to determine if this variant is pathogenic or benign. Therefore, we consider this a variant of uncertain significance. ACMG Criteria: BP4, PM2

NM_001371986.1(UNC80):c.9553C>G (p.Pro3185Ala)

Gene: UNC80 (unc-80 subunit of NALCN channel complex; plus strand). Cytogenetic location: 2q34.
Variant type: single nucleotide variant.
Coding change: c.9553C>G on transcript NM_001371986.1 (MANE Select); coding-DNA position 9553, C replaced by G.
Protein change: p.Pro3185Ala; replaces proline 3185 with alanine.
Molecular consequence: missense variant.
Genome position (GRCh38, 1-based): chr2:209,994,109, C>G. VCF-style: chr2-209994109-C-G. GRCh37 (hg19) VCF-style: chr2-210858833-C-G.
Other names: c.9355C>G, p.Pro3119Ala (NM_032504.2); c.9283C>G, p.Pro3095Ala (NM_182587.4); short protein forms P3095A, P3119A, P3185A.
Identifiers: ClinVar variation 3376484 (VCV003376484.1).